The following is an entry in ClinVar:

NM_014324.6(AMACR):c.967G>A (p.Val323Met)

Genes: AMACR (alpha-methylacyl-CoA racemase; minus strand), C1QTNF3-AMACR (C1QTNF3-AMACR readthrough (NMD candidate); minus strand). Cytogenetic location: 5p13.2.
Variant type: single nucleotide variant.
Coding change: c.967G>A on transcript NM_014324.6 (MANE Select); coding-DNA position 967, G replaced by A.
Protein change: p.Val323Met; replaces valine 323 with methionine.
Molecular consequence: missense variant. On other transcripts: non-coding transcript variant (1), 3 prime UTR variant (1).
Genome position (GRCh38, 1-based): chr5:33,989,275, C>T on the plus strand (G>A on the coding strand, the complement: AMACR is on the minus strand). VCF-style: chr5-33989275-C-T. GRCh37 (hg19) VCF-style: chr5-33989380-C-T.
Other names: c.967G>A (NM_014324.5); c.967G>A, p.Val323Met (NM_001167595.2); c.*209G>A (NM_203382.3); short protein forms V323M.
Identifiers: ClinVar variation 1919648 (VCV001919648.5), dbSNP rs200505839, ClinGen allele CA116908122.
Genomic context (GRCh38, chr5:33,989,275, plus strand): 5'-CCCTTTTGAAAGAAGGGATGGCTGGGGTGTTTAACAGCAGAGGTGCAGGGCGGGGGCTCA[C>T]GTCCTGCTCCTCACTGGTGATAAACGAGCCCCGTTCCTTGTTGTGATCATGATGAACAAC-3'
Protein context (NP_055139.4, residues 313-333): GSFITSEEQD[Val323Met]SPRPAPLLLN

ClinVar aggregate classification (germline): Conflicting classifications of pathogenicity. Review status: criteria provided, conflicting classifications (1 of 4 stars). 2 submissions from 2 submitters: Uncertain significance (1); Likely benign (1). Last evaluated 2024-05-15.

Conditions:
Inborn genetic diseases. Identifiers: MedGen C0950123, MeSH D030342.
Alpha-methylacyl-CoA racemase deficiency (AMACRD). Also called: AMACR deficiency. Identifiers: Orphanet 79095, MedGen C3280428, MONDO:0013681, OMIM 614307. Disease mechanism: loss of function.

Allele frequency attached by ClinVar (database versions not stated): TOPMed 0.00002.
gnomAD v4.1: 6 of 1,614,108 alleles (0.00037%); highest among the groups gnomAD compares: East Asian, 0.0045%; no homozygotes.

Submissions (2):

Labcorp Genetics (formerly Invitae), Labcorp
Classification: Uncertain significance for Alpha-methylacyl-CoA racemase deficiency. Last evaluated: 2024-05-15. Review status: criteria provided, single submitter. Criteria: Invitae Variant Classification Sherloc (09022015). Collection method: clinical testing. Allele origin: germline.
Comment: This sequence change replaces valine, which is neutral and non-polar, with methionine, which is neutral and non-polar, at codon 323 of the AMACR protein (p.Val323Met). This variant is not present in population databases (gnomAD no frequency). This variant has not been reported in the literature in individuals affected with AMACR-related conditions. ClinVar contains an entry for this variant (Variation ID: 1919648). Advanced modeling of protein sequence and biophysical properties (such as structural, functional, and spatial information, amino acid conservation, physicochemical variation, residue mobility, and thermodynamic stability) performed at Invitae indicates that this missense variant is not expected to disrupt AMACR protein function with a negative predictive value of 80%. In summary, the available evidence is currently insufficient to determine the role of this variant in disease. Therefore, it has been classified as a Variant of Uncertain Significance.

Ambry Genetics
Classification: Likely benign for Inborn genetic diseases. Last evaluated: 2024-01-02. Review status: criteria provided, single submitter. Criteria: Ambry Variant Classification Scheme 2023. Collection method: clinical testing. Allele origin: germline.